The following is an entry in ClinVar:

NM_007294.4(BRCA1):c.5261A>T (p.Glu1754Val)

Gene: BRCA1 (BRCA1 DNA repair associated; minus strand). Cytogenetic location: 17q21.31.
Variant type: single nucleotide variant.
Coding change: c.5261A>T on transcript NM_007294.4 (MANE Select); coding-DNA position 5261, A replaced by T.
Protein change: p.Glu1754Val; replaces glutamic acid 1754 with valine.
Molecular consequence: missense variant. On other transcripts: non-coding transcript variant (1).
Genome position (GRCh38, 1-based): chr17:43,057,068, T>A on the plus strand (A>T on the coding strand, the complement: BRCA1 is on the minus strand). VCF-style: chr17-43057068-T-A. GRCh37 (hg19) VCF-style: chr17-41209085-T-A.
Other names: c.5117A>T, p.Glu1706Val (NM_001407945.1, NM_001407734.1, NM_001407735.1 and 21 more transcripts); c.4928A>T, p.Glu1643Val (NM_001407946.1, NM_001407947.1, NM_001407948.1 and 1 more transcripts); c.4925A>T, p.Glu1642Val (NM_001407950.1, NM_001407951.1, NM_001407952.1 and 3 more transcripts); c.4754A>T, p.Glu1585Val (NM_001407965.1); c.4373A>T, p.Glu1458Val (NM_001407966.1); c.4370A>T, p.Glu1457Val (NM_001407967.1); c.2657A>T, p.Glu886Val (NM_001407968.1); c.2654A>T, p.Glu885Val (NM_001407969.1); and 72 more; short protein forms E1707V, E650V, E1775V, E1754V, E1457V, E1585V, E1627V, E1685V.
Identifiers: ClinVar variation 867288 (VCV000867288.3), dbSNP rs2051502100, ClinGen allele CA10591033.

Conditions:
Breast-ovarian cancer, familial, susceptibility to, 1 (BROVCA1). Also called: BRCA1 Hereditary Breast and Ovarian Cancer; OVARIAN CANCER, SUSCEPTIBILITY TO. Identifiers: Orphanet 145, MedGen C2676676, MONDO:0011450, OMIM 604370. Disease mechanism: loss of function.

Submission:

Brotman Baty Institute, University of Washington
No classification provided (evidence only). Condition: Breast-ovarian cancer, familial 1. Review status: no classification provided. Collection method: in vitro. Allele origin: not applicable. Functional consequence: functionally_normal.
ClinVar note: "not provided" was previously submitted as the classification for the variant. However, the classification appeared to be based only on an observation of functional data so it was converted to no classification on 2025-07-30.